The following is an entry in ClinVar:

ClinVar aggregate classification (germline): Uncertain significance. Review status: criteria provided, single submitter (1 of 4 stars). 2 submissions from 2 submitters: Uncertain significance (1). 1 of the submissions does not count toward it. Last evaluated 2022-02-18.

Conditions:
Infantile liver failure syndrome 3. Identifiers: MedGen C5231437, MONDO:0032844, OMIM 618641.

Allele frequency attached by ClinVar (database versions not stated): 1000 Genomes Project below 0.00001; gnomAD 0.00001; TOPMed 0.00001; gnomAD exomes 0.00001; ExAC 0.00002.
gnomAD v4.1: 11 of 1,610,932 alleles (0.00068%); highest among the groups gnomAD compares: East Asian, 0.0022%; no homozygotes.

Submissions (2):

Labcorp Genetics (formerly Invitae), Labcorp
Classification: Uncertain significance. Last evaluated: 2022-02-18. Review status: criteria provided, single submitter. Criteria: Invitae Variant Classification Sherloc (09022015). Collection method: clinical testing. Allele origin: germline.
Comment: In summary, the available evidence is currently insufficient to determine the role of this variant in disease. Therefore, it has been classified as a Variant of Uncertain Significance. Algorithms developed to predict the effect of missense changes on protein structure and function are either unavailable or do not agree on the potential impact of this missense change (SIFT: "Tolerated"; PolyPhen-2: "Probably Damaging"; Align-GVGD: "Class C0"). ClinVar contains an entry for this variant (Variation ID: 692228). This missense change has been observed in individual(s) with recurrent acute liver failure and skeletal abnormalities (PMID: 31204009). The frequency data for this variant in the population databases is considered unreliable, as metrics indicate poor data quality at this position in the gnomAD database. This sequence change replaces alanine, which is neutral and non-polar, with threonine, which is neutral and polar, at codon 368 of the RINT1 protein (p.Ala368Thr).

OMIM
Classification: Pathogenic for INFANTILE LIVER FAILURE SYNDROME 3. Last evaluated: 2019-10-24. Review status: no assertion criteria provided. Collection method: literature only. Allele origin: germline. Not counted in ClinVar's aggregate classification.

Literature cited by the submitters: PubMed 31204009 (cited by Labcorp Genetics (formerly Invitae), Labcorp and OMIM).

NM_021930.6(RINT1):c.1102G>A (p.Ala368Thr)

Gene: RINT1 (RAD50 interactor 1; plus strand). Cytogenetic location: 7q22.3.
Variant type: single nucleotide variant.
Coding change: c.1102G>A on transcript NM_021930.6 (MANE Select); coding-DNA position 1102, G replaced by A.
Protein change: p.Ala368Thr; replaces alanine 368 with threonine.
Molecular consequence: missense variant. On other transcripts: non-coding transcript variant (1).
Genome position (GRCh38, 1-based): chr7:105,550,160, G>A. VCF-style: chr7-105550160-G-A. GRCh37 (hg19) VCF-style: chr7-105190607-G-A.
Other names: c.868G>A, p.Ala290Thr (NM_001346599.2); c.79G>A, p.Ala27Thr (NM_001346600.2, NM_001346603.2); c.178G>A, p.Ala60Thr (NM_001346601.2); short protein forms A368T, A290T, A27T, A60T.
Identifiers: ClinVar variation 692228 (VCV000692228.5), dbSNP rs545894353, ClinGen allele CA4426595.